The following is an entry in ClinVar:

NM_001805.4(CEBPE):c.680G>A (p.Arg227Lys)

Gene: CEBPE (CCAAT enhancer binding protein epsilon; minus strand). Cytogenetic location: 14q11.2.
Variant type: single nucleotide variant.
Coding change: c.680G>A on transcript NM_001805.4 (MANE Select); coding-DNA position 680, G replaced by A.
Protein change: p.Arg227Lys; replaces arginine 227 with lysine.
Molecular consequence: missense variant.
Genome position (GRCh38, 1-based): chr14:23,117,653, C>T on the plus strand (G>A on the coding strand, the complement: CEBPE is on the minus strand). VCF-style: chr14-23117653-C-T. GRCh37 (hg19) VCF-style: chr14-23586862-C-T.
Other names: p.Arg227Lys; c.680G>A (NM_001805.3); short protein forms R227K.
Identifiers: ClinVar variation 2197315 (VCV002197315.4), dbSNP rs372651475, ClinGen allele CA7111126.
Genomic context (GRCh38, chr14:23,117,653, plus strand): 5'-CGGAGGCGCTCGTTCTCTGCCATGTACTCCAGCACCTTCTGCTGCGTCTCCAGAATGCGC[C>T]TCTTGGCCTTGTCTCGGCTCTTGCGCACGGCGATGTTGTTGCGCTCCCGCCTCAGCCGGT-3'
Protein context (NP_001796.2, residues 217-237): AVRKSRDKAK[Arg227Lys]RILETQQKVL

ClinVar aggregate classification (germline): Uncertain significance. Review status: criteria provided, multiple submitters, no conflicts (2 of 4 stars). 4 submissions from 4 submitters: Uncertain significance (4). Last evaluated 2026-01-12.

Conditions:
Specific granule deficiency. Identifiers: Orphanet 169142, MedGen C0398593, MONDO:0009506.
CEBPE-related disorder. Also called: CEBPE-related condition.

Allele frequency attached by ClinVar (database versions not stated): ExAC 0.00002; TOPMed 0.00002; gnomAD 0.00005; ESP Exome Variant Server 0.00008; gnomAD exomes 0.00009.

Submissions (4):

Women's Health and Genetics/Laboratory Corporation of America, LabCorp
Classification: Uncertain significance. Last evaluated: 2026-01-12. Review status: criteria provided, single submitter. Criteria: LabCorp Variant Classification Summary - May 2015. Collection method: clinical testing. Allele origin: germline.
Comment: Variant summary: CEBPE c.680G>A (p.Arg227Lys) results in a conservative amino acid change in the encoded protein sequence. Algorithms developed to predict the effect of missense changes on protein structure and function are either unavailable or do not agree on the potential impact of this missense change. The variant allele was found at a frequency of 2.8e-05 in 251428 control chromosomes. The available data on variant occurrences in the general population are insufficient to allow any conclusion about variant significance. To our knowledge, no occurrence of c.680G>A in individuals affected with CEBPE-related conditions and no experimental evidence demonstrating its impact on protein function have been reported. ClinVar contains an entry for this variant (Variation ID: 2197315). Based on the evidence outlined above, the variant was classified as uncertain significance.

PreventionGenetics, part of Exact Sciences
Classification: Uncertain significance for CEBPE-related condition. Last evaluated: 2025-10-08. Review status: criteria provided, single submitter. Criteria: ACMG Guidelines, 2015. Collection method: clinical testing. Allele origin: germline.
Comment: The CEBPE c.680G>A variant is predicted to result in the amino acid substitution p.Arg227Lys. To our knowledge, this variant has not been reported in the literature. This variant is reported in 0.0070% of alleles in individuals of European (Non-Finnish) descent in gnomAD. At this time, the clinical significance of this variant is uncertain due to the absence of conclusive functional and genetic evidence.

Mayo Clinic Laboratories, Mayo Clinic
Classification: Uncertain significance. Last evaluated: 2025-03-17. Review status: criteria provided, single submitter. Criteria: ACMG Guidelines, 2015. Collection method: clinical testing. Allele origin: germline. Observed: 1 variant allele.
Comment: BP4

Labcorp Genetics (formerly Invitae), Labcorp
Classification: Uncertain significance for Specific granule deficiency. Last evaluated: 2022-06-13. Review status: criteria provided, single submitter. Criteria: Invitae Variant Classification Sherloc (09022015). Collection method: clinical testing. Allele origin: germline.
Comment: This sequence change replaces arginine, which is basic and polar, with lysine, which is basic and polar, at codon 227 of the CEBPE protein (p.Arg227Lys). This variant is present in population databases (rs372651475, gnomAD 0.007%). This variant has not been reported in the literature in individuals affected with CEBPE-related conditions. Algorithms developed to predict the effect of missense changes on protein structure and function are either unavailable or do not agree on the potential impact of this missense change (SIFT: "Tolerated"; PolyPhen-2: "Probably Damaging"; Align-GVGD: "Class C0"). In summary, the available evidence is currently insufficient to determine the role of this variant in disease. Therefore, it has been classified as a Variant of Uncertain Significance.